The following is an entry in ClinVar:

ClinVar aggregate classification (germline): Benign/Likely benign. Review status: criteria provided, multiple submitters, no conflicts (2 of 4 stars). 11 submissions from 11 submitters: Benign (4); Likely benign (7). Last evaluated 2026-09-01.

Conditions:
Walker-Warburg congenital muscular dystrophy. Also called: Muscular dystrophy-dystroglycanopathy, type A; Walker-Warburg syndrome. Identifiers: Orphanet 899, MedGen C0265221, MONDO:0000171.
Autosomal recessive limb-girdle muscular dystrophy type 2K. Also called: MUSCULAR DYSTROPHY-DYSTROGLYCANOPATHY (LIMB-GIRDLE), TYPE C, 1; MUSCULAR DYSTROPHY, LIMB-GIRDLE, TYPE 2K. Identifiers: Orphanet 86812, MedGen C1836373, MONDO:0012248, OMIM 609308.
Muscular dystrophy-dystroglycanopathy (congenital with impaired intellectual development), type B, 1. Also called: MUSCULAR DYSTROPHY, CONGENITAL, POMT1-RELATED; Muscular dystrophy-dystroglycanopathy (congenital with intellectual disability), type B1. Identifiers: MedGen C5436962, MONDO:0013159, OMIM 613155.

Allele frequency attached by ClinVar (database versions not stated): gnomAD exomes 0.00096; ExAC 0.00114; 1000 Genomes Project 0.00300; gnomAD 0.00301 and 0.00324; 1000 Genomes Project 30x 0.00328; TOPMed 0.00363; ESP Exome Variant Server 0.00415.

Submissions (11):

CeGaT Center for Human Genetics Tuebingen
Classification: Likely benign. Last evaluated: 2026-09-01. Review status: criteria provided, single submitter. Criteria: CeGaT Center For Human Genetics Tuebingen Variant Classification Criteria Version 2. Collection method: clinical testing. Allele origin: germline. Affected: yes. Observed: 5 variant alleles.
Comment: POMT1: BP4, BP7, BS1

Labcorp Genetics (formerly Invitae), Labcorp
Classification: Benign for Muscular dystrophy-dystroglycanopathy (congenital with impaired intellectual development), type B, 1; Walker-Warburg congenital muscular dystrophy; Autosomal recessive limb-girdle muscular dystrophy type 2K. Last evaluated: 2026-01-28. Review status: criteria provided, single submitter. Criteria: Invitae Variant Classification Sherloc (09022015). Collection method: clinical testing. Allele origin: germline.

Mayo Clinic Laboratories, Mayo Clinic
Classification: Likely benign. Last evaluated: 2024-12-30. Review status: criteria provided, single submitter. Criteria: ACMG Guidelines, 2015. Collection method: clinical testing. Allele origin: germline. Observed: 2 variant alleles.
Comment: BS1, BP4, BP7

Blueprint Genetics
Classification: Likely benign. Last evaluated: 2024-11-04. Review status: criteria provided, single submitter. Criteria: ACMG Guidelines, 2015. Collection method: clinical testing. Allele origin: germline.

GeneDx
Classification: Likely benign. Last evaluated: 2020-12-16. Review status: criteria provided, single submitter. Criteria: GeneDx Variant Classification Process June 2021. Collection method: clinical testing. Allele origin: germline. Affected: yes.

Athena Diagnostics
Classification: Benign. Last evaluated: 2019-06-24. Review status: criteria provided, single submitter. Criteria: Athena Diagnostics Criteria. Collection method: clinical testing. Allele origin: germline.

Illumina Laboratory Services, Illumina
Classification: Likely benign for Autosomal recessive limb-girdle muscular dystrophy type 2K. Last evaluated: 2018-01-12. Review status: criteria provided, single submitter. Criteria: ICSL Variant Classification Criteria 13 December 2019. Collection method: clinical testing. Allele origin: germline.
Comment: This variant was observed in the ICSL laboratory as part of a predisposition screen in an ostensibly healthy population. It had not been previously curated by ICSL or reported in the Human Gene Mutation Database (HGMD: prior to June 1st, 2018), and was therefore a candidate for classification through an automated scoring system. Utilizing variant allele frequency, disease prevalence and penetrance estimates, and inheritance mode, an automated score was calculated to assess if this variant is too frequent to cause the disease. Based on the score and internal cut-off values, a variant classified as likely benign is not then subjected to further curation. The score for this variant resulted in a classification of likely benign for this disease.

Center for Pediatric Genomic Medicine, Children's Mercy Hospital and Clinics
Classification: Likely benign. Last evaluated: 2017-04-27. Review status: criteria provided, single submitter. Criteria: ACMG Guidelines, 2015. Collection method: clinical testing. Allele origin: germline.

PreventionGenetics, part of Exact Sciences
Classification: Benign. Last evaluated: 2016-04-01. Review status: criteria provided, single submitter. Criteria: ACMG Guidelines, 2015. Collection method: clinical testing. Allele origin: germline.

Eurofins Ntd Llc (ga)
Classification: Benign. Last evaluated: 2014-01-27. Review status: criteria provided, single submitter. Criteria: EGL Classification Definitions 2015. Collection method: clinical testing. Allele origin: germline. Observed: 1 variant allele, 1 heterozygote.

Breakthrough Genomics
Classification: Likely benign. Review status: criteria provided, single submitter. Criteria: ACMG Guidelines, 2015. Collection method: not provided. Allele origin: germline. Inheritance: Autosomal recessive inheritance. Affected: yes.

NM_001077365.2(POMT1):c.1698C>T (p.Ser566=)

Gene: POMT1 (protein O-mannosyltransferase 1; plus strand). Cytogenetic location: 9q34.13.
Variant type: single nucleotide variant.
Coding change: c.1698C>T on transcript NM_001077365.2 (MANE Select); coding-DNA position 1698, C replaced by T.
Protein change: p.Ser566=; no amino-acid change (serine 566 retained).
Molecular consequence: synonymous variant. On other transcripts: non-coding transcript variant (10).
Genome position (GRCh38, 1-based): chr9:131,520,193, C>T. VCF-style: chr9-131520193-C-T. GRCh37 (hg19) VCF-style: chr9-134395580-C-T.
Other names: p.Ser588=; c.1536C>T, p.Ser512= (NM_001077366.2, NM_001353194.2); c.1698C>T, p.Ser566= (NM_001136113.2); c.1347C>T, p.Ser449= (NM_001136114.2, NM_001353195.2, NM_001374691.1 and 2 more transcripts); c.1764C>T, p.Ser588= (NM_001353193.2, NM_007171.4); c.1608C>T, p.Ser536= (NM_001353196.2); c.1602C>T, p.Ser534= (NM_001353197.2, NM_001353198.2); c.1413C>T, p.Ser471= (NM_001353199.2); and 4 more.
Identifiers: ClinVar variation 166900 (VCV000166900.50), dbSNP rs150814269, ClinGen allele CA179901.